The following is an entry in ClinVar:

ClinVar aggregate classification (germline): Likely benign. Review status: criteria provided, single submitter (1 of 4 stars). 2 submissions from 2 submitters: Likely benign (1). 1 of the submissions does not count toward it. Last evaluated 2025-11-27.

Conditions:
Autosomal recessive limb-girdle muscular dystrophy type 2J (LGMDR10). Also called: MUSCULAR DYSTROPHY, LIMB-GIRDLE, AUTOSOMAL RECESSIVE 10; Limb-girdle muscular dystrophy, type 2J. Identifiers: Orphanet 140922, MedGen C1837342, MONDO:0012127, OMIM 608807.
Dilated cardiomyopathy 1G (CMD1G). Identifiers: Orphanet 154, MedGen C1858763, MONDO:0011400, OMIM 604145.
TTN-related disorder. Also called: TTN-related disorders; TTN-related condition; TTN-related disease.

Allele frequency attached by ClinVar (database versions not stated): gnomAD 0.00001 and 0.00002; TOPMed 0.00003; gnomAD exomes 0.00004 and 0.00010; ExAC 0.00010.
gnomAD v4.1: 25 of 1,537,016 alleles (0.0016%); highest among the groups gnomAD compares: Admixed American, 0.049%; no homozygotes.

Submissions (2):

Labcorp Genetics (formerly Invitae), Labcorp
Classification: Likely benign for Dilated cardiomyopathy 1G; Autosomal recessive limb-girdle muscular dystrophy type 2J. Last evaluated: 2025-11-27. Review status: criteria provided, single submitter. Criteria: Invitae Variant Classification Sherloc (09022015). Collection method: clinical testing. Allele origin: germline.

PreventionGenetics, part of Exact Sciences
Classification: Likely benign for TTN-related condition. Last evaluated: 2021-02-10. Review status: no assertion criteria provided. Collection method: clinical testing. Allele origin: germline. Not counted in ClinVar's aggregate classification.
Comment: This variant is classified as likely benign based on ACMG/AMP sequence variant interpretation guidelines (Richards et al. 2015 PMID: 25741868, with internal and published modifications).

NM_001267550.2(TTN):c.95722+9C>T

Genes: TTN (titin; minus strand), TTN-AS1 (TTN antisense RNA 1; plus strand). Cytogenetic location: 2q31.2.
Variant type: single nucleotide variant.
Coding change: c.95722+9C>T on transcript NM_001267550.2 (MANE Select); 9 bases into the intron after coding-DNA position 95722, C replaced by T.
Molecular consequence: intron variant.
Genome position (GRCh38, 1-based): chr2:178,545,379, G>A on the plus strand (C>T on the coding strand, the complement: TTN is on the minus strand). VCF-style: chr2-178545379-G-A. GRCh37 (hg19) VCF-style: chr2-179410106-G-A.
Other names: c.68527+9C>T (NM_003319.4); c.69103+9C>T (NM_133437.4); c.68902+9C>T (NM_133432.3); c.88018+9C>T (NM_133378.4); c.90799+9C>T (NM_001256850.1).
Identifiers: ClinVar variation 775966 (VCV000775966.13), dbSNP rs569437354, ClinGen allele CA1986894.